The following is an entry in ClinVar:

NM_001609.4(ACADSB):c.*262C>T

Gene: ACADSB (acyl-CoA dehydrogenase short/branched chain; plus strand). Cytogenetic location: 10q26.13.
Variant type: single nucleotide variant.
Coding change: c.*262C>T on transcript NM_001609.4 (MANE Select); 262 bases downstream of the stop codon, C replaced by T.
Molecular consequence: 3 prime UTR variant.
Genome position (GRCh38, 1-based): chr10:123,054,027, C>T. VCF-style: chr10-123054027-C-T. GRCh37 (hg19) VCF-style: chr10-124813543-C-T.
Other names: c.*262C>T (NM_001330174.3).
Identifiers: ClinVar variation 299099 (VCV000299099.9), dbSNP rs12248515, ClinGen allele CA10634862.
Genomic context (GRCh38, chr10:123,054,027, plus strand): 5'-TTTTAAACTTGGGAAATAAGCACCTGTATTTTTTTCCAAAACTGTTTTTAAAGCTGTATA[C>T]GCATACATATATATATTTTTACTCTGTCTTACTCTGTCACCCAGGCTAGAGTGCAGTGGC-3'

ClinVar aggregate classification (germline): Benign. Review status: criteria provided, multiple submitters, no conflicts (2 of 4 stars). 3 submissions from 3 submitters: Benign (3). Last evaluated 2018-07-09.

Conditions:
Deficiency of 2-methylbutyryl-CoA dehydrogenase (ACADSB). Also called: 2-methylbutyryl-CoA dehydrogenase deficiency; SBCAD deficiency; 2-methylbutyric aciduria; Short branched-chain acyl-CoA dehydrogenase deficiency; 2-methylbutyrylglycinuria. Identifiers: Orphanet 79157, MedGen C1864912, MONDO:0012392, OMIM 610006, HP:0020147.

Allele frequency attached by ClinVar (database versions not stated): gnomAD 0.43449 and 0.43651; gnomAD exomes 0.43918; 1000 Genomes Project 30x 0.44035; 1000 Genomes Project 0.44149; TOPMed 0.44593.

Submissions (3):

GeneDx
Classification: Benign. Last evaluated: 2018-07-09. Review status: criteria provided, single submitter. Criteria: GeneDx Variant Classification Process June 2021. Collection method: clinical testing. Allele origin: germline. Affected: yes.

Illumina Laboratory Services, Illumina
Classification: Benign for Deficiency of 2-methylbutyryl-CoA dehydrogenase. Last evaluated: 2018-01-13. Review status: criteria provided, single submitter. Criteria: ICSL Variant Classification Criteria 13 December 2019. Collection method: clinical testing. Allele origin: germline.
Comment: This variant was observed in the ICSL laboratory as part of a predisposition screen in an ostensibly healthy population. It had not been previously curated by ICSL or reported in the Human Gene Mutation Database (HGMD: prior to June 1st, 2018), and was therefore a candidate for classification through an automated scoring system. Utilizing variant allele frequency, disease prevalence and penetrance estimates, and inheritance mode, an automated score was calculated to assess if this variant is too frequent to cause the disease. Based on the score and internal cut-off values, a variant classified as benign is not then subjected to further curation. The score for this variant resulted in a classification of benign for this disease.

Breakthrough Genomics
Classification: Benign. Review status: criteria provided, single submitter. Criteria: ACMG Guidelines, 2015. Collection method: not provided. Allele origin: germline. Inheritance: Autosomal recessive inheritance. Affected: yes.